The following is an entry in ClinVar:

NM_000051.4(ATM):c.8364T>A (p.His2788Gln)

Genes: ATM (ATM serine/threonine kinase; plus strand), C11orf65 (chromosome 11 open reading frame 65; minus strand). Cytogenetic location: 11q22.3.
Variant type: single nucleotide variant.
Coding change: c.8364T>A on transcript NM_000051.4 (MANE Select); coding-DNA position 8364, T replaced by A.
Protein change: p.His2788Gln; replaces histidine 2788 with glutamine.
Molecular consequence: missense variant. On other transcripts: intron variant (2).
Genome position (GRCh38, 1-based): chr11:108,343,317, T>A. VCF-style: chr11-108343317-T-A. GRCh37 (hg19) VCF-style: chr11-108214044-T-A.
Other names: c.8364T>A, p.His2788Gln (NM_001351834.2); c.641-34246A>T (NM_001330368.2); c.695-8025A>T (NM_001351110.2); short protein forms H2788Q.
Identifiers: ClinVar variation 822329 (VCV000822329.6), dbSNP rs1591248749, ClinGen allele CA382516510.
Genomic context (GRCh38, chr11:108,343,317, plus strand): 5'-ATGGTGCACAGGAACTGTCCCCATTGGTGAATTTCTTGTTAACAATGAAGATGGTGCTCA[T>A]AAAAGATACAGGCCAAATGATTTCAGTGCCTTTCAGTGCCAAAAGAAAATGATGGTGAGT-3'
Protein context (NP_000042.3, residues 2778-2798): EFLVNNEDGA[His2788Gln]KRYRPNDFSA

ClinVar aggregate classification (germline): Uncertain significance (1 of 4 stars; one submission).

Conditions:
Hereditary cancer-predisposing syndrome. Also called: Tumor predisposition; Neoplastic Syndromes, Hereditary; Hereditary Cancer Syndrome; Hereditary neoplastic syndrome. Identifiers: Orphanet 140162, MedGen C0027672, MeSH D009386, MONDO:0015356.

Submission:

Ambry Genetics
Classification: Uncertain significance for Hereditary cancer-predisposing syndrome. Last evaluated: 2019-03-22. Review status: criteria provided, single submitter. Criteria: Ambry Variant Classification Scheme 2023. Collection method: clinical testing. Allele origin: germline.
Comment: The p.H2788Q variant (also known as c.8364T>A), located in coding exon 56 of the ATM gene, results from a T to A substitution at nucleotide position 8364. The histidine at codon 2788 is replaced by glutamine, an amino acid with highly similar properties. This amino acid position is highly conserved in available vertebrate species. In addition, the in silico prediction for this alteration is inconclusive. Since supporting evidence is limited at this time, the clinical significance of this alteration remains unclear.